The following is an entry in ClinVar:

ClinVar aggregate classification (germline): Uncertain significance (1 of 4 stars; one submission).

gnomAD v4.1: 19 of 1,586,116 alleles (0.0012%); highest among the groups gnomAD compares: Non-Finnish European, 0.0016%; no homozygotes.

Submission:

Labcorp Genetics (formerly Invitae), Labcorp
Classification: Uncertain significance. Last evaluated: 2021-09-01. Review status: criteria provided, single submitter. Criteria: Invitae Variant Classification Sherloc (09022015). Collection method: clinical testing. Allele origin: germline.
Comment: This sequence change replaces proline with leucine at codon 415 of the GPAA1 protein (p.Pro415Leu). The proline residue is moderately conserved and there is a moderate physicochemical difference between proline and leucine. This variant is not present in population databases (ExAC no frequency). This variant has not been reported in the literature in individuals affected with GPAA1-related conditions. Algorithms developed to predict the effect of missense changes on protein structure and function output the following: SIFT: "Tolerated"; PolyPhen-2: "Benign"; Align-GVGD: "Class C0". The leucine amino acid residue is found in multiple mammalian species, which suggests that this missense change does not adversely affect protein function. In summary, the available evidence is currently insufficient to determine the role of this variant in disease. Therefore, it has been classified as a Variant of Uncertain Significance.

NM_003801.4(GPAA1):c.1244C>T (p.Pro415Leu)

Gene: GPAA1 (glycosylphosphatidylinositol anchor attachment 1; plus strand). Cytogenetic location: 8q24.3.
Variant type: single nucleotide variant.
Coding change: c.1244C>T on transcript NM_003801.4 (MANE Select); coding-DNA position 1244, C replaced by T.
Protein change: p.Pro415Leu; replaces proline 415 with leucine.
Molecular consequence: missense variant.
Genome position (GRCh38, 1-based): chr8:144,085,122, C>T. VCF-style: chr8-144085122-C-T. GRCh37 (hg19) VCF-style: chr8-145140025-C-T.
Other names: short protein forms P415L.
Identifiers: ClinVar variation 1405764 (VCV001405764.5), dbSNP rs532789731, ClinGen allele CA372502862.